The following is an entry in ClinVar:

ClinVar aggregate classification (germline): Likely benign (1 of 4 stars; one submission).

Conditions:
RP1L1-related disorder. Also called: RP1L1-related condition.

gnomAD v4.1: 27 of 1,613,754 alleles (0.0017%); highest among the groups gnomAD compares: Non-Finnish European, 0.002%; no homozygotes.

Submission:

PreventionGenetics, part of Exact Sciences
Classification: Likely benign for RP1L1-related condition. Last evaluated: 2025-12-05. Review status: criteria provided, single submitter. Criteria: ACMG Guidelines, 2015. Collection method: clinical testing. Allele origin: germline.
Comment: This variant is classified as likely benign based on ACMG/AMP sequence variant interpretation guidelines (Richards et al. 2015 PMID: 25741868, with internal and published modifications).

NM_178857.6(RP1L1):c.1008G>A (p.Thr336=)

Gene: RP1L1 (RP1 like 1). Cytogenetic location: 8p23.1.
Variant type: single nucleotide variant.
Coding change: c.1008G>A on transcript NM_178857.6 (MANE Select); coding-DNA position 1008, G replaced by A.
Protein change: p.Thr336=; no amino-acid change (threonine 336 retained).
Molecular consequence: synonymous variant.
Genome position (GRCh38, 1-based): chr8:10,613,090, C>T on the plus strand (G>A on the coding strand, the complement: RP1L1 is on the minus strand). VCF-style: chr8-10613090-C-T. GRCh37 (hg19) VCF-style: chr8-10470600-C-T.
Identifiers: ClinVar variation 4985265 (VCV004985265.1).
Genomic context (GRCh38, chr8:10,613,090, plus strand): 5'-GTCTTCCCCACTGGCTGCCGTGAGGGCGCTGGCCCTGCCCATCCTCCGGGACCATAGGAG[C>T]GTGTCCTCGCCGACCAGGTGGAAGCGGACTTTCATCTCCACGGACAGGCTGCCGTCCTCA-3'
Protein context (NP_849188.4, residues 326-346): KVRFHLVGED[Thr336=]LLWSRRMGRA